The following is an entry in ClinVar:

ClinVar aggregate classification (germline): Uncertain significance (1 of 4 stars; one submission).

Conditions:
Autosomal dominant childhood-onset proximal spinal muscular atrophy with contractures (SMALED2A). Also called: Spinal muscular atrophy, lower extremity-predominant, 2A, autosomal dominant; SPINAL MUSCULAR ATROPHY, LOWER EXTREMITY-PREDOMINANT, 2A, CHILDHOOD ONSET, AUTOSOMAL DOMINANT. Identifiers: Orphanet 363447, Orphanet 363454, MedGen C4747715, MONDO:0014121, OMIM 615290.

Allele frequency attached by ClinVar (database versions not stated): gnomAD exomes below 0.00001; gnomAD 0.00001; TOPMed 0.00001.
gnomAD v4.1: 5 of 1,612,516 alleles (0.00031%); highest among the groups gnomAD compares: East Asian, 0.0045%; no homozygotes.

Submission:

Labcorp Genetics (formerly Invitae), Labcorp
Classification: Uncertain significance for Autosomal dominant childhood-onset proximal spinal muscular atrophy with contractures. Last evaluated: 2022-02-21. Review status: criteria provided, single submitter. Criteria: Invitae Variant Classification Sherloc (09022015). Collection method: clinical testing. Allele origin: germline.
Comment: In summary, the available evidence is currently insufficient to determine the role of this variant in disease. Therefore, it has been classified as a Variant of Uncertain Significance. Variants that disrupt the consensus splice site are a relatively common cause of aberrant splicing (PMID: 17576681, 9536098). Algorithms developed to predict the effect of sequence changes on RNA splicing suggest that this variant is not likely to affect RNA splicing. This variant has not been reported in the literature in individuals affected with BICD2-related conditions. This variant is not present in population databases (gnomAD no frequency). This sequence change falls in intron 5 of the BICD2 gene. It does not directly change the encoded amino acid sequence of the BICD2 protein. It affects a nucleotide within the consensus splice site.

Literature cited by the submitters: PubMed 17576681; PubMed 9536098.

NM_001003800.2(BICD2):c.2107-3C>T

Gene: BICD2 (BICD cargo adaptor 2; minus strand). Cytogenetic location: 9q22.31.
Variant type: single nucleotide variant.
Coding change: c.2107-3C>T on transcript NM_001003800.2 (MANE Select); 3 bases into the intron before coding-DNA position 2107, C replaced by T.
Molecular consequence: intron variant.
Genome position (GRCh38, 1-based): chr9:92,717,951, G>A on the plus strand (C>T on the coding strand, the complement: BICD2 is on the minus strand). VCF-style: chr9-92717951-G-A. GRCh37 (hg19) VCF-style: chr9-95480233-G-A.
Other names: c.2107-3C>T (NM_015250.4).
Identifiers: ClinVar variation 2091640 (VCV002091640.4), dbSNP rs1391151960, ClinGen allele CA868523511.